The following is an entry in ClinVar:

ClinVar aggregate classification (germline): Pathogenic (1 of 4 stars; one submission).

Conditions:
Long QT syndrome (LQTS). Identifiers: MedGen C0023976, MeSH D008133, MONDO:0002442. Disease mechanism: loss of function. Inheritance: Various modes of inheritance.

Submission:

Labcorp Genetics (formerly Invitae), Labcorp
Classification: Pathogenic for Long QT syndrome. Last evaluated: 2019-02-22. Review status: criteria provided, single submitter. Criteria: Invitae Variant Classification Sherloc (09022015). Collection method: clinical testing. Allele origin: germline.
Comment: This variant is an in-frame deletion of the genomic region encompassing exons 3-6 of the KCNQ1 gene. It preserves the integrity of the reading frame. Similar deletions of exons 3-6 have been reported in individuals affected with long QT syndrome (Invitae). Several missense substitutions located in exons 3-6 (p.Gly168Arg, p.Arg174Cys, p.Ala178Thr, p.Arg190Gln, and others) have been determined to be pathogenic (PMID: 9693036, 17905336, 10973849, 9386136, 23392653, 23130128, 9024139, 22456477, 10973849, 24912595, 8528244, 10728423, 20660394). This suggests that this region is critical for KCNQ1 protein function and that its deletion may also be pathogenic. For these reasons, this variant has been classified as Pathogenic.

Literature cited by the submitters: PubMed 8528244; PubMed 9693036; PubMed 20660394; PubMed 23392653; PubMed 10728423; PubMed 10973849; PubMed 24912595; PubMed 22456477; PubMed 23130128; PubMed 9024139; PubMed 17905336; PubMed 9386136.

NC_000011.10:g.(?_2570608)_(2573006_?)del

Gene: KCNQ1 (potassium voltage-gated channel subfamily Q member 1; plus strand). Cytogenetic location: 11p15.5.
Variant type: Deletion.
Identifiers: ClinVar variation 665038 (VCV000665038.2).